The following is an entry in ClinVar:

NM_001371623.1(TCOF1):c.3791_3792del (p.Lys1264fs)

Gene: TCOF1 (treacle ribosome biogenesis factor 1; plus strand). Cytogenetic location: 5q32.
Variant type: Deletion.
Coding change: c.3791_3792del on transcript NM_001371623.1 (MANE Select); coding-DNA positions 3791 to 3792, 2 bases deleted (AA; older notation c.3791_3792delAA).
Protein change: p.Lys1264fs; shifts the reading frame from lysine 1264.
Molecular consequence: frameshift variant.
Genome position (GRCh38, 1-based): chr5:150,396,288-150,396,289, AA deleted; deleting any 2 consecutive bases within chr5:150,396,286-150,396,289 gives the same sequence; the c. name uses the placement nearest the transcript's 3' end. VCF-style (leftmost placement, unchanged base first): chr5-150396285-GAA-G. GRCh37 (hg19) VCF-style: chr5-149775848-GAA-G.
Other names: c.3788_3789delAA (NM_001135243.1); c.3560_3561del, p.Lys1187fs (NM_001135245.2); c.3674_3675del, p.Lys1225fs (NM_001195141.2); c.3557_3558del, p.Lys1186fs (NM_000356.4); c.3788_3789del, p.Lys1263fs (NM_001135243.2); c.3677_3678del, p.Lys1226fs (NM_001135244.2); short protein forms K1186fs, K1187fs, K1225fs, K1226fs, K1263fs, K1264fs.
Identifiers: ClinVar variation 658412 (VCV000658412.7), dbSNP rs1581223107, ClinGen allele CA915942663.

ClinVar aggregate classification (germline): Pathogenic (1 of 4 stars; one submission).

Conditions:
Treacher Collins syndrome 1 (TCS1). Also called: TCOF1-Related Treacher Collins Syndrome. Identifiers: Orphanet 861, MedGen CN315775, MONDO:0007944, OMIM 154500.

Submission:

Labcorp Genetics (formerly Invitae), Labcorp
Classification: Pathogenic for Treacher Collins syndrome 1. Last evaluated: 2018-07-08. Review status: criteria provided, single submitter. Criteria: Invitae Variant Classification Sherloc (09022015). Collection method: clinical testing. Allele origin: germline.
Comment: For these reasons, this variant has been classified as Pathogenic. Loss-of-function variants in TCOF1 are known to be pathogenic (PMID: 8894686, 22317976). This variant has not been reported in the literature in individuals with TCOF1-related disease. This variant is not present in population databases (ExAC no frequency). This sequence change creates a premature translational stop signal (p.Lys1263Argfs*45) in the TCOF1 gene. It is expected to result in an absent or disrupted protein product.

Literature cited by the submitters: PubMed 8894686; PubMed 22317976.